The following is an entry in ClinVar:

NM_000829.4(GRIA4):c.2384G>A (p.Cys795Tyr)

Gene: GRIA4 (glutamate ionotropic receptor AMPA type subunit 4; plus strand). Cytogenetic location: 11q22.3.
Variant type: single nucleotide variant.
Coding change: c.2384G>A on transcript NM_000829.4 (MANE Select); coding-DNA position 2384, G replaced by A.
Protein change: p.Cys795Tyr; replaces cysteine 795 with tyrosine.
Molecular consequence: missense variant. On other transcripts: non-coding transcript variant (1), intron variant (1).
Genome position (GRCh38, 1-based): chr11:105,972,003, G>A. VCF-style: chr11-105972003-G-A. GRCh37 (hg19) VCF-style: chr11-105842730-G-A.
Other names: c.2410-2307G>A (NM_001077243.3); short protein forms C795Y.
Identifiers: ClinVar variation 3522580 (VCV003522580.1).

ClinVar aggregate classification (germline): Uncertain significance (1 of 4 stars; one submission).

Conditions:
Inborn genetic diseases. Identifiers: MedGen C0950123, MeSH D030342.

Submission:

Ambry Genetics
Classification: Uncertain significance for Inborn genetic diseases. Last evaluated: 2024-08-26. Review status: criteria provided, single submitter. Criteria: Ambry Variant Classification Scheme 2023. Collection method: clinical testing. Allele origin: germline.
Comment: The c.2384G>A (p.C795Y) alteration is located in exon 15 (coding exon 14) of the GRIA4 gene. This alteration results from a G to A substitution at nucleotide position 2384, causing the cysteine (C) at amino acid position 795 to be replaced by a tyrosine (Y). This variant was not reported in population-based cohorts in the Genome Aggregation Database (gnomAD). This amino acid position is highly conserved in available vertebrate species. This missense alteration is located in a region that has a low rate of benign missense variation (Lek, 2016; Firth, 2009). This alteration is predicted to be deleterious by in silico analysis. Based on insufficient or conflicting evidence, the clinical significance of this alteration remains unclear.